The following is an entry in ClinVar:

ClinVar aggregate classification (germline): Uncertain significance. Review status: criteria provided, multiple submitters, no conflicts (2 of 4 stars). 3 submissions from 3 submitters: Uncertain significance (3). Last evaluated 2025-01-09.

Conditions:
Inborn genetic diseases. Identifiers: MedGen C0950123, MeSH D030342.

Allele frequency attached by ClinVar (database versions not stated): TOPMed 0.00002; ExAC 0.00008.
gnomAD v4.1: 18 of 1,613,598 alleles (0.0011%); highest among the groups gnomAD compares: Admixed American, 0.03%; no homozygotes.

Submissions (3):

Ambry Genetics
Classification: Uncertain significance for Inborn genetic diseases. Last evaluated: 2025-01-09. Review status: criteria provided, single submitter. Criteria: Ambry Variant Classification Scheme 2023. Collection method: clinical testing. Allele origin: germline.

Labcorp Genetics (formerly Invitae), Labcorp
Classification: Uncertain significance. Last evaluated: 2022-10-17. Review status: criteria provided, single submitter. Criteria: Invitae Variant Classification Sherloc (09022015). Collection method: clinical testing. Allele origin: germline.
Comment: This sequence change replaces tyrosine, which is neutral and polar, with phenylalanine, which is neutral and non-polar, at codon 3083 of the USH2A protein (p.Tyr3083Phe). This variant is present in population databases (rs768354522, gnomAD 0.05%). This variant has not been reported in the literature in individuals affected with USH2A-related conditions. ClinVar contains an entry for this variant (Variation ID: 1422611). Advanced modeling of protein sequence and biophysical properties (such as structural, functional, and spatial information, amino acid conservation, physicochemical variation, residue mobility, and thermodynamic stability) performed at Invitae indicates that this missense variant is expected to disrupt USH2A protein function. In summary, the available evidence is currently insufficient to determine the role of this variant in disease. Therefore, it has been classified as a Variant of Uncertain Significance.

Blueprint Genetics
Classification: Uncertain significance. Last evaluated: 2019-11-25. Review status: criteria provided, single submitter. Criteria: ACMG Guidelines, 2015. Collection method: clinical testing. Allele origin: germline.

NM_206933.4(USH2A):c.9248A>T (p.Tyr3083Phe)

Gene: USH2A (usherin; minus strand). Cytogenetic location: 1q41.
Variant type: single nucleotide variant.
Coding change: c.9248A>T on transcript NM_206933.4 (MANE Select); coding-DNA position 9248, A replaced by T.
Protein change: p.Tyr3083Phe; replaces tyrosine 3083 with phenylalanine.
Molecular consequence: missense variant.
Genome position (GRCh38, 1-based): chr1:215,844,304, T>A on the plus strand (A>T on the coding strand, the complement: USH2A is on the minus strand). VCF-style: chr1-215844304-T-A. GRCh37 (hg19) VCF-style: chr1-216017646-T-A.
Other names: c.9248A>T (NM_206933.2); short protein forms Y3083F.
Identifiers: ClinVar variation 1422611 (VCV001422611.5), dbSNP rs768354522, ClinGen allele CA1394381.